The following is an entry in ClinVar:

NM_001346953.2(EXO5):c.1045G>A (p.Ala349Thr)

Gene: EXO5 (exonuclease 5; plus strand). Cytogenetic location: 1p34.2.
Variant type: single nucleotide variant.
Coding change: c.1045G>A on transcript NM_001346953.2 (MANE Select); coding-DNA position 1045, G replaced by A.
Protein change: p.Ala349Thr; replaces alanine 349 with threonine.
Molecular consequence: missense variant.
Genome position (GRCh38, 1-based): chr1:40,515,589, G>A. VCF-style: chr1-40515589-G-A. GRCh37 (hg19) VCF-style: chr1-40981261-G-A.
Other names: c.1045G>A, p.Ala349Thr (NM_001346946.2, NM_001346947.2, NM_001346948.2 and 8 more transcripts); short protein forms A349T.
Identifiers: ClinVar variation 2788255 (VCV002788255.3), dbSNP rs2522558134, ClinGen allele CA339883648.
Genomic context (GRCh38, chr1:40,515,589, plus strand): 5'-CACCGAGAGCCCCAGGGAGTTGACGTGGAGGAGGCTTGGAAGTGCCGGACGTGTACCTAT[G>A]CAGACATTTGTGAGTGGAGAAAGGGCAGTGGAGTGCTCAGCTCTACACTGGCGCCCCAAG-3'
Protein context (NP_001333882.1, residues 339-359): EAWKCRTCTY[Ala349Thr]DICEWRKGSG

ClinVar aggregate classification (germline): Uncertain significance (1 of 4 stars; one submission).

Submission:

Labcorp Genetics (formerly Invitae), Labcorp
Classification: Uncertain significance. Last evaluated: 2024-02-02. Review status: criteria provided, single submitter. Criteria: Invitae Variant Classification Sherloc (09022015). Collection method: clinical testing. Allele origin: germline.
Comment: This sequence change replaces alanine, which is neutral and non-polar, with threonine, which is neutral and polar, at codon 349 of the EXO5 protein (p.Ala349Thr). This variant is not present in population databases (gnomAD no frequency). This variant has not been reported in the literature in individuals affected with EXO5-related conditions. Algorithms developed to predict the effect of missense changes on protein structure and function output the following: SIFT: "Not Available"; PolyPhen-2: "Benign"; Align-GVGD: "Not Available". The threonine amino acid residue is found in multiple mammalian species, which suggests that this missense change does not adversely affect protein function. In summary, the available evidence is currently insufficient to determine the role of this variant in disease. Therefore, it has been classified as a Variant of Uncertain Significance.